The following is an entry in ClinVar:

NM_005562.3(LAMC2):c.2314_2316delinsTAA (p.Ala772Ter)

Gene: LAMC2 (laminin subunit gamma 2; plus strand). Cytogenetic location: 1q25.3.
Variant type: Indel.
Coding change: c.2314_2316delinsTAA on transcript NM_005562.3 (MANE Select); coding-DNA positions 2314 to 2316, GCC replaced by TAA.
Protein change: p.Ala772Ter; replaces alanine 772 with a stop codon.
Molecular consequence: nonsense.
Genome position (GRCh38, 1-based): chr1:183,235,588-183,235,590, GCC replaced by TAA. VCF-style: chr1-183235588-GCC-TAA. GRCh37 (hg19) VCF-style: chr1-183204723-GCC-TAA.
Other names: c.2314_2316delinsTAA, p.Ala772Ter (NM_018891.3); short protein forms A772*.
Identifiers: ClinVar variation 3700145 (VCV003700145.2).

ClinVar aggregate classification (germline): Pathogenic (1 of 4 stars; one submission).

Submission:

Labcorp Genetics (formerly Invitae), Labcorp
Classification: Pathogenic. Last evaluated: 2024-02-06. Review status: criteria provided, single submitter. Criteria: Invitae Variant Classification Sherloc (09022015). Collection method: clinical testing. Allele origin: germline.
Comment: This sequence change creates a premature translational stop signal (p.Ala772*) in the LAMC2 gene. It is expected to result in an absent or disrupted protein product. Loss-of-function variants in LAMC2 are known to be pathogenic (PMID: 11907499, 16473856). Information on the frequency of this variant in the gnomAD database is not available, as this variant may be reported differently in the database. This variant has not been reported in the literature in individuals affected with LAMC2-related conditions. For these reasons, this variant has been classified as Pathogenic.

Literature cited by the submitters: PubMed 11907499; PubMed 16473856.